The following is an entry in ClinVar:

NM_001195263.2(PDZD7):c.920T>C (p.Leu307Pro)

Gene: PDZD7 (PDZ domain containing 7; minus strand). Cytogenetic location: 10q24.31.
Variant type: single nucleotide variant.
Coding change: c.920T>C on transcript NM_001195263.2 (MANE Select); coding-DNA position 920, T replaced by C.
Protein change: p.Leu307Pro; replaces leucine 307 with proline.
Molecular consequence: missense variant.
Genome position (GRCh38, 1-based): chr10:101,020,626, A>G on the plus strand (T>C on the coding strand, the complement: PDZD7 is on the minus strand). VCF-style: chr10-101020626-A-G. GRCh37 (hg19) VCF-style: chr10-102780383-A-G.
Other names: c.920T>C, p.Leu307Pro (NM_001351044.2, NM_024895.5); short protein forms L307P.
Identifiers: ClinVar variation 1917192 (VCV001917192.5), dbSNP rs2492914865, ClinGen allele CA378229246.

ClinVar aggregate classification (germline): Uncertain significance (1 of 4 stars; one submission).

Allele frequency attached by ClinVar (database versions not stated): gnomAD exomes below 0.00001.
gnomAD v4.1: 1 of 1,613,936 alleles (0.000062%); highest among the groups gnomAD compares: Non-Finnish European, 0.000085%; no homozygotes.

Submission:

Labcorp Genetics (formerly Invitae), Labcorp
Classification: Uncertain significance. Last evaluated: 2022-06-18. Review status: criteria provided, single submitter. Criteria: Invitae Variant Classification Sherloc (09022015). Collection method: clinical testing. Allele origin: germline.
Comment: In summary, the available evidence is currently insufficient to determine the role of this variant in disease. Therefore, it has been classified as a Variant of Uncertain Significance. Algorithms developed to predict the effect of missense changes on protein structure and function are either unavailable or do not agree on the potential impact of this missense change (SIFT: "Deleterious"; PolyPhen-2: "Not Available"; Align-GVGD: "Class C35"). This variant has not been reported in the literature in individuals affected with PDZD7-related conditions. This variant is not present in population databases (gnomAD no frequency). This sequence change replaces leucine, which is neutral and non-polar, with proline, which is neutral and non-polar, at codon 307 of the PDZD7 protein (p.Leu307Pro).